The following is an entry in ClinVar:

ClinVar aggregate classification (germline): Benign. Review status: criteria provided, multiple submitters, no conflicts (2 of 4 stars). 2 submissions from 2 submitters: Benign (2). Last evaluated 2018-01-13.

Conditions:
Leukocyte adhesion deficiency type II. Also called: CONGENITAL DISORDER OF GLYCOSYLATION, TYPE IIc; CDG IIc; Congenital disorder of glycosylation type 2C; CDG 2C; Leukocyte adhesion deficiency type 2; Rambam Hasharon syndrome. Identifiers: Orphanet 2968, Orphanet 99843, MedGen C0398739, MONDO:0009953, OMIM 266265.

Allele frequency attached by ClinVar (database versions not stated): TOPMed 0.02151; 1000 Genomes Project 0.02855; 1000 Genomes Project 30x 0.02858.
gnomAD v4.1: 3,481 of 247,768 alleles (1.4%); highest among the groups gnomAD compares: African/African-American, 7.2%; 132 homozygotes.

Submissions (2):

Illumina Laboratory Services, Illumina
Classification: Benign for Leukocyte adhesion deficiency type II. Last evaluated: 2018-01-13. Review status: criteria provided, single submitter. Criteria: ICSL Variant Classification Criteria 13 December 2019. Collection method: clinical testing. Allele origin: germline.
Comment: This variant was observed in the ICSL laboratory as part of a predisposition screen in an ostensibly healthy population. It had not been previously curated by ICSL or reported in the Human Gene Mutation Database (HGMD: prior to June 1st, 2018), and was therefore a candidate for classification through an automated scoring system. Utilizing variant allele frequency, disease prevalence and penetrance estimates, and inheritance mode, an automated score was calculated to assess if this variant is too frequent to cause the disease. Based on the score and internal cut-off values, a variant classified as benign is not then subjected to further curation. The score for this variant resulted in a classification of benign for this disease.

Breakthrough Genomics
Classification: Benign. Review status: criteria provided, single submitter. Criteria: ACMG Guidelines, 2015. Collection method: not provided. Allele origin: germline. Inheritance: Autosomal recessive inheritance. Affected: yes.

NM_018389.5(SLC35C1):c.*1636G>A

Gene: SLC35C1 (solute carrier family 35 member C1; plus strand). Cytogenetic location: 11p11.2.
Variant type: single nucleotide variant.
Coding change: c.*1636G>A on transcript NM_018389.5 (MANE Select); 1636 bases downstream of the stop codon, G replaced by A.
Molecular consequence: 3 prime UTR variant.
Genome position (GRCh38, 1-based): chr11:45,812,971, G>A. VCF-style: chr11-45812971-G-A. GRCh37 (hg19) VCF-style: chr11-45834522-G-A.
Other names: c.*1636G>A (NM_001145265.2, NM_001145266.2).
Identifiers: ClinVar variation 304770 (VCV000304770.6), dbSNP rs79173599, ClinGen allele CA10638641.
Genomic context (GRCh38, chr11:45,812,971, plus strand): 5'-CTCCCCCCTCCCTCTCCAGTCCCCTCACAATCCCAGATGGGTTCTAATGCAGCTGCTGGG[G>A]CCTGATGCCCTGAGTTGTTTGTGATTCAATAAAGAATCCATAAGATCCTGTGTGTGTGGC-3'